The following is an entry in ClinVar:

NM_000352.6(ABCC8):c.1468-52G>A

Gene: ABCC8 (ATP binding cassette subfamily C member 8; minus strand). Cytogenetic location: 11p15.1.
Variant type: single nucleotide variant.
Coding change: c.1468-52G>A on transcript NM_000352.6 (MANE Select); 52 bases into the intron before coding-DNA position 1468, G replaced by A.
Molecular consequence: intron variant.
Genome position (GRCh38, 1-based): chr11:17,442,934, C>T on the plus strand (G>A on the coding strand, the complement: ABCC8 is on the minus strand). VCF-style: chr11-17442934-C-T. GRCh37 (hg19) VCF-style: chr11-17464481-C-T.
Other names: c.1465-52G>A (NM_001351297.2, NM_001351296.2); c.1468-52G>A (NM_001351295.2, NM_001287174.3).
Identifiers: ClinVar variation 2584636 (VCV002584636.1), dbSNP rs546856458, ClinGen allele CA5903568.

ClinVar aggregate classification (germline): Uncertain significance (1 of 4 stars; one submission).

Conditions:
Hyperinsulinemic hypoglycemia, familial, 1 (HHF1). Also called: Persistent hyperinsulinemic hypoglycemia of infancy; Persistent Hyperinsulinemia Hypoglycemia of Infancy; HYPERINSULINISM, FAMILIAL, WITH PANCREATIC NESIDIOBLASTOSIS; HYPOGLYCEMIA, HYPERINSULINEMIC, OF INFANCY; NESIDIOBLASTOSIS OF PANCREAS. Identifiers: Orphanet 276575, Orphanet 276598, MedGen C2931832, MONDO:0009734, OMIM 256450.

Allele frequency attached by ClinVar (database versions not stated): ExAC 0.00003; gnomAD 0.00003; 1000 Genomes Project 30x 0.00016; 1000 Genomes Project 0.00020.
gnomAD v4.1: 21 of 1,604,724 alleles (0.0013%); highest among the groups gnomAD compares: South Asian, 0.0044%; no homozygotes.

Submission:

New York Genome Center
Classification: Uncertain significance for Type 2 diabetes mellitus; Hyperinsulinemic hypoglycemia, familial, 1. Last evaluated: 2023-01-06. Review status: criteria provided, single submitter. Criteria: NYGC Assertion Criteria 2020. Collection method: clinical testing. Allele origin: germline. Observed: 1 heterozygote.
Comment: The c.1468-52G>A intronic variant identified in intron 9 (of 38) of the ABCC8 gene has not been reported in affected individuals in theliterature. The variant is observed in 5 out of ~372,000 heterozygous alleles (no homozygotes) in population databases (gnomAD v2.1.1 and v3.1.2, TOPMed Freeze8), suggesting it is not a common benign variant in the populations represented in those databases. In silico predictions are in favor of the variant’s damaging effect[SPLICE AI delta score = 0.99, TraP score = 0.446 (>99th percentile for non-coding variants)]; however, functional studies to support or refute these predictions have not been reported. Given the lack of compelling evidence for its pathogenicity, the c.1468-52G>A intronic variant identified in the ABCC8 gene is reported as a Variant of Uncertain Significance.